The following is an entry in ClinVar:

ClinVar aggregate classification (germline): Pathogenic (1 of 4 stars; one submission).

Conditions:
Neurofibromatosis, type 1 (NF1). Also called: VON RECKLINGHAUSEN DISEASE; Peripheral type neurofibromatosis; NEUROFIBROMATOSIS, TYPE I, SOMATIC; Neurofibromatosis, type I. Identifiers: Orphanet 636, MedGen C0027831, MONDO:0018975, OMIM 162200. Disease mechanism: loss of function.

Submission:

Labcorp Genetics (formerly Invitae), Labcorp
Classification: Pathogenic for Neurofibromatosis, type 1. Last evaluated: 2020-02-19. Review status: criteria provided, single submitter. Criteria: Invitae Variant Classification Sherloc (09022015). Collection method: clinical testing. Allele origin: germline.
Comment: For these reasons, this variant has been classified as Pathogenic. Donor and acceptor splice site variants typically lead to a loss of protein function (PMID: 16199547), and loss-of-function variants in NF1 are known to be pathogenic (PMID: 10712197, 23913538). Algorithms developed to predict the effect of sequence changes on RNA splicing suggest that this variant may disrupt the consensus splice site, but this prediction has not been confirmed by published transcriptional studies. Disruption of this splice site has been observed in individual(s) with neurofibromatosis type 1 (Invitae). In at least one individual the variant was observed to be de novo. This variant is not present in population databases (ExAC no frequency). This sequence change affects an acceptor splice site in intron 47 of the NF1 gene. It is expected to disrupt RNA splicing and likely results in an absent or disrupted protein product.

Literature cited by the submitters: PubMed 16199547; PubMed 10712197; PubMed 23913538.

NM_001042492.3(NF1):c.7190-6_7190-2del

Gene: NF1 (neurofibromin 1; plus strand). Cytogenetic location: 17q11.2.
Variant type: Deletion.
Coding change: c.7190-6_7190-2del on transcript NM_001042492.3 (MANE Select); 6 bases into the intron before coding-DNA position 7190 through the canonical splice acceptor site of the intron before coding-DNA position 7190, 5 bases deleted (TTGTA; older notation c.7190-6_7190-2delTTGTA).
Molecular consequence: splice acceptor variant.
Genome position (GRCh38, 1-based): chr17:31,349,114-31,349,118, TTGTA deleted. VCF-style (leftmost placement, unchanged base first): chr17-31349113-TTTGTA-T. GRCh37 (hg19) VCF-style: chr17-29676131-TTTGTA-T.
Other names: c.7127-6_7127-2del (NM_000267.4).
Identifiers: ClinVar variation 1073526 (VCV001073526.5), dbSNP rs2151572451, ClinGen allele CA2499224218.